The following is an entry in ClinVar:

NM_016069.11(PAM16):c.94C>T (p.Arg32Trp)

Genes: CORO7-PAM16 (CORO7-PAM16 readthrough; minus strand), PAM16 (presequence translocase associated motor 16; minus strand). Cytogenetic location: 16p13.3.
Variant type: single nucleotide variant.
Coding change: c.94C>T on transcript NM_016069.11 (MANE Select); coding-DNA position 94, C replaced by T.
Protein change: p.Arg32Trp; replaces arginine 32 with tryptophan.
Molecular consequence: missense variant.
Genome position (GRCh38, 1-based): chr16:4,341,499, G>A on the plus strand (C>T on the coding strand, the complement: PAM16 is on the minus strand). VCF-style: chr16-4341499-G-A. GRCh37 (hg19) VCF-style: chr16-4391500-G-A.
Other names: c.2863C>T, p.Arg955Trp (NM_001201479.2); short protein forms R32W, R955W.
Identifiers: ClinVar variation 1509260 (VCV001509260.7), dbSNP rs764298943, ClinGen allele CA7873455.

ClinVar aggregate classification (germline): Uncertain significance (1 of 4 stars; one submission).

Allele frequency attached by ClinVar (database versions not stated): ExAC 0.00004; gnomAD 0.00004.
gnomAD v4.1: 63 of 1,607,474 alleles (0.0039%); highest among the groups gnomAD compares: African/African-American, 0.008%; no homozygotes.

Submission:

Labcorp Genetics (formerly Invitae), Labcorp
Classification: Uncertain significance. Last evaluated: 2022-08-31. Review status: criteria provided, single submitter. Criteria: Invitae Variant Classification Sherloc (09022015). Collection method: clinical testing. Allele origin: germline.
Comment: ClinVar contains an entry for this variant (Variation ID: 1509260). Algorithms developed to predict the effect of missense changes on protein structure and function are either unavailable or do not agree on the potential impact of this missense change (SIFT: "Deleterious"; PolyPhen-2: "Possibly Damaging"; Align-GVGD: "Class C0"). In summary, the available evidence is currently insufficient to determine the role of this variant in disease. Therefore, it has been classified as a Variant of Uncertain Significance. This variant has not been reported in the literature in individuals affected with PAM16-related conditions. This sequence change replaces arginine, which is basic and polar, with tryptophan, which is neutral and slightly polar, at codon 32 of the PAM16 protein (p.Arg32Trp). This variant is present in population databases (rs764298943, gnomAD 0.02%).